The following is an entry in ClinVar:

ClinVar aggregate classification (germline): Uncertain significance (1 of 4 stars; one submission).

Conditions:
Dilated cardiomyopathy 1J (CMD1J). Also called: CARDIOMYOPATHY, DILATED, WITH SENSORINEURAL HEARING LOSS, AUTOSOMAL DOMINANT. Identifiers: Orphanet 217622, MedGen C1854368, MONDO:0011541, OMIM 605362.

gnomAD v4.1: 1 of 1,613,996 alleles (0.000062%); no homozygotes.

Submission:

Labcorp Genetics (formerly Invitae), Labcorp
Classification: Uncertain significance for Dilated cardiomyopathy 1J. Last evaluated: 2021-12-23. Review status: criteria provided, single submitter. Criteria: Invitae Variant Classification Sherloc (09022015). Collection method: clinical testing. Allele origin: germline.
Comment: In summary, the available evidence is currently insufficient to determine the role of this variant in disease. Therefore, it has been classified as a Variant of Uncertain Significance. Algorithms developed to predict the effect of missense changes on protein structure and function are either unavailable or do not agree on the potential impact of this missense change (SIFT: "Deleterious"; PolyPhen-2: "Benign"; Align-GVGD: "Class C0"). This variant has not been reported in the literature in individuals affected with EYA4-related conditions. This variant is not present in population databases (gnomAD no frequency). This sequence change replaces threonine, which is neutral and polar, with isoleucine, which is neutral and non-polar, at codon 448 of the EYA4 protein (p.Thr448Ile).

NM_004100.5(EYA4):c.1343C>T (p.Thr448Ile)

Genes: EYA4 (EYA transcriptional coactivator and phosphatase 4; plus strand), TARID (TCF21 antisense RNA inducing promoter demethylation; minus strand). Cytogenetic location: 6q23.2.
Variant type: single nucleotide variant.
Coding change: c.1343C>T on transcript NM_004100.5 (MANE Select); coding-DNA position 1343, C replaced by T.
Protein change: p.Thr448Ile; replaces threonine 448 with isoleucine.
Molecular consequence: missense variant.
Genome position (GRCh38, 1-based): chr6:133,512,880, C>T. VCF-style: chr6-133512880-C-T. GRCh37 (hg19) VCF-style: chr6-133834018-C-T.
Other names: c.1181C>T, p.Thr394Ile (NM_001301012.2); c.1361C>T, p.Thr454Ile (NM_001301013.2); c.1274C>T, p.Thr425Ile (NM_001370458.1, NM_172103.4); c.1199C>T, p.Thr400Ile (NM_001370459.1); c.1343C>T, p.Thr448Ile (NM_172105.4); short protein forms T400I, T394I, T425I, T448I, T454I.
Identifiers: ClinVar variation 2055071 (VCV002055071.4), dbSNP rs2535339131, ClinGen allele CA365714870.
Genomic context (GRCh38, chr6:133,512,880, plus strand): 5'-CGGCTGTGGAGTTTTGCACATGTAATTATTTCTTTTTAATGTATTTTGGGTGTTACAGTA[C>T]CTACAGTTTTGCAACTGATGGCTTCCATGCAGCTGCAAGTAGTGCAAACCTTTGTTTGCC-3'
Protein context (NP_004091.3, residues 438-458): SSDDNGQDLS[Thr448Ile]YSFATDGFHA